The following is an entry in ClinVar:

ClinVar aggregate classification (germline): Uncertain significance. Review status: criteria provided, multiple submitters, no conflicts (2 of 4 stars). 4 submissions from 4 submitters: Uncertain significance (4). Last evaluated 2025-08-23.

Conditions:
Hereditary cancer-predisposing syndrome. Also called: Hereditary neoplastic syndrome; Tumor predisposition; Hereditary Cancer Syndrome; Neoplastic Syndromes, Hereditary. Identifiers: Orphanet 140162, MedGen C0027672, MeSH D009386, MONDO:0015356.
POLD1-related polyposis and colorectal cancer syndrome (CRCS10). Also called: Colorectal cancer, susceptibility to, 10; Colorectal cancer 10; COLORECTAL CANCER, SUSCEPTIBILITY TO, ON CHROMOSOME 19q. Identifiers: Orphanet 220460, MedGen C2675481, MONDO:0012953, OMIM 612591.

Allele frequency attached by ClinVar (database versions not stated): gnomAD exomes below 0.00001.
gnomAD v4.1: 1 of 1,613,868 alleles (0.000062%); highest among the groups gnomAD compares: Non-Finnish European, 0.000085%; no homozygotes.

Submissions (4):

Labcorp Genetics (formerly Invitae), Labcorp
Classification: Uncertain significance for POLD1-related polyposis and colorectal cancer syndrome. Last evaluated: 2025-08-23. Review status: criteria provided, single submitter. Criteria: Invitae Variant Classification Sherloc (09022015). Collection method: clinical testing. Allele origin: germline.
Comment: This sequence change replaces proline, which is neutral and non-polar, with leucine, which is neutral and non-polar, at codon 123 of the POLD1 protein (p.Pro123Leu). This variant is not present in population databases (gnomAD no frequency). This variant has not been reported in the literature in individuals affected with POLD1-related conditions. ClinVar contains an entry for this variant (Variation ID: 642512). Invitae Evidence Modeling of protein sequence and biophysical properties (such as structural, functional, and spatial information, amino acid conservation, physicochemical variation, residue mobility, and thermodynamic stability) indicates that this missense variant is not expected to disrupt POLD1 protein function with a negative predictive value of 80%. In summary, the available evidence is currently insufficient to determine the role of this variant in disease. Therefore, it has been classified as a Variant of Uncertain Significance.

Ambry Genetics
Classification: Uncertain significance for Hereditary cancer-predisposing syndrome. Last evaluated: 2025-06-13. Review status: criteria provided, single submitter. Criteria: Ambry Variant Classification Scheme 2023. Collection method: clinical testing. Allele origin: germline.
Comment: The p.P123L variant (also known as c.368C>T), located in coding exon 3 of the POLD1 gene, results from a C to T substitution at nucleotide position 368. The proline at codon 123 is replaced by leucine, an amino acid with similar properties. This amino acid position is highly conserved in available vertebrate species. In addition, the in silico prediction for this alteration is inconclusive. Based on the available evidence, the clinical significance of this variant remains unclear.

GeneDx
Classification: Uncertain significance. Last evaluated: 2019-08-28. Review status: criteria provided, single submitter. Criteria: GeneDx Variant Classification Process June 2021. Collection method: clinical testing. Allele origin: germline. Affected: yes.
Comment: Not observed in large population cohorts (Lek et al., 2016); In silico analysis, which includes protein predictors and evolutionary conservation, supports a deleterious effect; Has not been previously published as pathogenic or benign to our knowledge

Quest Diagnostics Nichols Institute San Juan Capistrano
Classification: Uncertain significance. Last evaluated: 2018-11-02. Review status: criteria provided, single submitter. Criteria: Quest Diagnostics criteria. Collection method: clinical testing. Allele origin: germline.

NM_002691.4(POLD1):c.368C>T (p.Pro123Leu)

Gene: POLD1 (DNA polymerase delta 1, catalytic subunit; plus strand). Cytogenetic location: 19q13.33.
Variant type: single nucleotide variant.
Coding change: c.368C>T on transcript NM_002691.4 (MANE Select); coding-DNA position 368, C replaced by T.
Protein change: p.Pro123Leu; replaces proline 123 with leucine.
Molecular consequence: missense variant. On other transcripts: non-coding transcript variant (1).
Genome position (GRCh38, 1-based): chr19:50,401,829, C>T. VCF-style: chr19-50401829-C-T. GRCh37 (hg19) VCF-style: chr19-50905086-C-T.
Other names: c.368C>T, p.Pro123Leu (NM_001256849.1, NM_001308632.1); c.368C>T (NM_002691.2); short protein forms P123L.
Identifiers: ClinVar variation 642512 (VCV000642512.11), dbSNP rs1601198466, ClinGen allele CA406972287.